The following is an entry in ClinVar:

NM_018249.6(CDK5RAP2):c.3003G>A (p.Thr1001=)

Gene: CDK5RAP2 (CDK5 regulatory subunit associated protein 2; minus strand). Cytogenetic location: 9q33.2.
Variant type: single nucleotide variant.
Coding change: c.3003G>A on transcript NM_018249.6 (MANE Select); coding-DNA position 3003, G replaced by A.
Protein change: p.Thr1001=; no amino-acid change (threonine 1001 retained).
Molecular consequence: synonymous variant. On other transcripts: non-coding transcript variant (5).
Genome position (GRCh38, 1-based): chr9:120,447,917, C>T on the plus strand (G>A on the coding strand, the complement: CDK5RAP2 is on the minus strand). VCF-style: chr9-120447917-C-T. GRCh37 (hg19) VCF-style: chr9-123210195-C-T.
Other names: c.3003G>A, p.Thr1001= (NM_001011649.3); c.2313G>A, p.Thr771= (NM_001272039.2).
Identifiers: ClinVar variation 386247 (VCV000386247.20), dbSNP rs373365484, ClinGen allele CA5213942.

ClinVar aggregate classification (germline): Conflicting classifications of pathogenicity. Review status: criteria provided, conflicting classifications (1 of 4 stars). 4 submissions from 4 submitters: Uncertain significance (1); Likely benign (3). Last evaluated 2025-10-01.

Conditions:
Microcephaly 3, primary, autosomal recessive. Identifiers: Orphanet 2512, MedGen C1858108, MONDO:0011488, OMIM 604804.

Allele frequency attached by ClinVar (database versions not stated): TOPMed 0.00013; ExAC 0.00015; gnomAD exomes 0.00018 and 0.00012; ESP Exome Variant Server 0.00008; gnomAD 0.00009 and 0.00010.
gnomAD v4.1: 270 of 1,614,006 alleles (0.017%); highest among the groups gnomAD compares: Non-Finnish European, 0.022%; no homozygotes.

Submissions (4):

Labcorp Genetics (formerly Invitae), Labcorp
Classification: Likely benign. Last evaluated: 2025-10-01. Review status: criteria provided, single submitter. Criteria: Invitae Variant Classification Sherloc (09022015). Collection method: clinical testing. Allele origin: germline.

CeGaT Center for Human Genetics Tuebingen
Classification: Likely benign. Last evaluated: 2025-09-01. Review status: criteria provided, single submitter. Criteria: CeGaT Center For Human Genetics Tuebingen Variant Classification Criteria Version 2. Collection method: clinical testing. Allele origin: germline. Affected: yes. Observed: 1 variant allele.
Comment: CDK5RAP2: BP4, BP7

Illumina Laboratory Services, Illumina
Classification: Uncertain significance for Microcephaly 3, primary, autosomal recessive. Last evaluated: 2018-01-12. Review status: criteria provided, single submitter. Criteria: ICSL Variant Classification Criteria 13 December 2019. Collection method: clinical testing. Allele origin: germline.

GeneDx
Classification: Likely benign. Last evaluated: 2016-05-18. Review status: criteria provided, single submitter. Criteria: GeneDx Variant Classification (06012015). Collection method: clinical testing. Allele origin: germline. Affected: yes.
Comment: This variant is considered likely benign or benign based on one or more of the following criteria: it is a conservative change, it occurs at a poorly conserved position in the protein, it is predicted to be benign by multiple in silico algorithms, and/or has population frequency not consistent with disease.